The following is an entry in ClinVar:

NM_001013836.2(MAD1L1):c.374A>G (p.Gln125Arg)

Gene: MAD1L1 (mitotic arrest deficient 1 like 1; minus strand). Cytogenetic location: 7p22.3.
Variant type: single nucleotide variant.
Coding change: c.374A>G on transcript NM_001013836.2 (MANE Select); coding-DNA position 374, A replaced by G.
Protein change: p.Gln125Arg; replaces glutamine 125 with arginine.
Molecular consequence: missense variant. On other transcripts: 5 prime UTR variant (1).
Genome position (GRCh38, 1-based): chr7:2,222,672, T>C on the plus strand (A>G on the coding strand, the complement: MAD1L1 is on the minus strand). VCF-style: chr7-2222672-T-C. GRCh37 (hg19) VCF-style: chr7-2262307-T-C.
Other names: c.374A>G, p.Gln125Arg (NM_001013837.2, NM_001304523.2, NM_003550.3); c.-42A>G (NM_001304524.2); short protein forms Q125R.
Identifiers: ClinVar variation 3121961 (VCV003121961.2), dbSNP rs2534098191, ClinGen allele CA366603628.

ClinVar aggregate classification (germline): Uncertain significance. Review status: criteria provided, multiple submitters, no conflicts (2 of 4 stars). 2 submissions from 2 submitters: Uncertain significance (2). Last evaluated 2026-02-16.

Submissions (2):

Women's Health and Genetics/Laboratory Corporation of America, LabCorp
Classification: Uncertain significance. Last evaluated: 2026-02-16. Review status: criteria provided, single submitter. Criteria: LabCorp Variant Classification Summary - May 2015. Collection method: clinical testing. Allele origin: germline.
Comment: Variant summary: MAD1L1 c.374A>G (p.Gln125Arg) results in a conservative amino acid change in the encoded protein sequence. Algorithms developed to predict the effect of missense changes on protein structure and function are either unavailable or do not agree on the potential impact of this missense change. The variant was absent in 248168 control chromosomes. The available data on variant occurrences in the general population are insufficient to allow any conclusion about variant significance. To our knowledge, no occurrence of c.374A>G in individuals affected with MAD1L1-related conditions and no experimental evidence demonstrating its impact on protein function have been reported. ClinVar contains an entry for this variant (Variation ID: 3121961). Based on the evidence outlined above, the variant was classified as uncertain significance.

Ambry Genetics
Classification: Uncertain significance. Last evaluated: 2023-12-20. Review status: criteria provided, single submitter. Criteria: Ambry Variant Classification Scheme 2023. Collection method: clinical testing. Allele origin: germline.